The following is an entry in ClinVar:

NM_017514.5(PLXNA3):c.825C>T (p.Tyr275=)

Gene: PLXNA3 (plexin A3; plus strand). Cytogenetic location: Xq28.
Variant type: single nucleotide variant.
Coding change: c.825C>T on transcript NM_017514.5 (MANE Select); coding-DNA position 825, C replaced by T.
Protein change: p.Tyr275=; no amino-acid change (tyrosine 275 retained).
Molecular consequence: synonymous variant.
Genome position (GRCh38, 1-based): chrX:154,461,329, C>T. VCF-style: chrX-154461329-C-T. GRCh37 (hg19) VCF-style: chrX-153689669-C-T.
Identifiers: ClinVar variation 752400 (VCV000752400.5), dbSNP rs782607201, ClinGen allele CA10563823.

ClinVar aggregate classification (germline): Benign. Review status: criteria provided, single submitter (1 of 4 stars). 2 submissions from 2 submitters: Benign (1). 1 of the submissions does not count toward it. Last evaluated 2018-09-14.

Conditions:
PLXNA3-related disorder. Also called: PLXNA3-related condition.

Allele frequency attached by ClinVar (database versions not stated): gnomAD 0.00010 and 0.00011; TOPMed 0.00014; gnomAD exomes 0.00016 and 0.00020; 1000 Genomes Project 30x 0.00021; ExAC 0.00023; 1000 Genomes Project 0.00026.
gnomAD v4.1: 195 of 1,211,670 alleles (0.016%); highest among the groups gnomAD compares: South Asian, 0.075%; no homozygotes.

Submissions (2):

Labcorp Genetics (formerly Invitae), Labcorp
Classification: Benign. Last evaluated: 2018-09-14. Review status: criteria provided, single submitter. Criteria: Invitae Variant Classification Sherloc (09022015). Collection method: clinical testing. Allele origin: germline.

PreventionGenetics, part of Exact Sciences
Classification: Likely benign for PLXNA3-related condition. Last evaluated: 2021-07-19. Review status: no assertion criteria provided. Collection method: clinical testing. Allele origin: germline. Not counted in ClinVar's aggregate classification.
Comment: This variant is classified as likely benign based on ACMG/AMP sequence variant interpretation guidelines (Richards et al. 2015 PMID: 25741868, with internal and published modifications).